The following is an entry in ClinVar:

ClinVar aggregate classification (germline): Uncertain significance (1 of 4 stars; one submission).

Conditions:
Hereditary cancer-predisposing syndrome. Also called: Hereditary Cancer Syndrome; Hereditary neoplastic syndrome; Neoplastic Syndromes, Hereditary; Tumor predisposition. Identifiers: Orphanet 140162, MedGen C0027672, MeSH D009386, MONDO:0015356.

Submission:

Ambry Genetics
Classification: Uncertain significance for Hereditary cancer-predisposing syndrome. Last evaluated: 2021-02-08. Review status: criteria provided, single submitter. Criteria: Ambry Variant Classification Scheme 2023. Collection method: clinical testing. Allele origin: germline.
Comment: The c.4570-1_4572delGTCA variant results from a deletion of 4 nucleotides between positions 4570-1 and 4572 and involves the canonical splice acceptor site before coding exon 35 of the TSC2 gene. The canonical splice acceptor site is well conserved in available vertebrate species. In silico splice site analysis predicts that this alteration will weaken the native splice acceptor site and will result in the creation or strengthening of a novel splice acceptor site that is predicted to lead to a protein with an in-frame deletion of 2 amino acids. The exact functional impact of the deleted amino acids is unknown at this time. Since supporting evidence is limited at this time, the clinical significance of this alteration remains unclear.

NM_000548.5(TSC2):c.4570-1_4572del

Gene: TSC2 (TSC complex subunit 2; plus strand). Cytogenetic location: 16p13.3.
Variant type: Deletion.
Coding change: c.4570-1_4572del on transcript NM_000548.5 (MANE Select); the canonical splice acceptor site of the intron before coding-DNA position 4570 through coding-DNA position 4572, 4 bases deleted (GTCA; older notation c.4570-1_4572delGTCA).
Molecular consequence: splice acceptor variant.
Genome position (GRCh38, 1-based): chr16:2,085,229-2,085,232, GTCA deleted; deleting any 4 consecutive bases within chr16:2,085,227-2,085,232 gives the same sequence; the c. name uses the placement nearest the transcript's 3' end. VCF-style (leftmost placement, unchanged base first): chr16-2085226-ACAGT-A. GRCh37 (hg19) VCF-style: chr16-2135227-ACAGT-A.
Other names: c.4501-1_4503del (NM_001114382.3); c.4441-1_4443del (NM_021055.3, NM_001370405.1); c.4372-1_4374del (NM_001363528.2); c.4438-1_4440del (NM_001370404.1); c.4369-1_4371del (NM_001077183.3); c.4261-1_4263del (NM_001318827.2); c.3838-1_3840del (NM_001318831.2); c.4225-1_4227del (NM_001318829.2); and 1 more.
Identifiers: ClinVar variation 1741572 (VCV001741572.2), dbSNP rs2544320146, ClinGen allele CA2580091032.